The following is an entry in ClinVar:

NM_000059.4(BRCA2):c.8955T>C (p.Val2985=)

Gene: BRCA2 (BRCA2 DNA repair associated; plus strand). Cytogenetic location: 13q13.1.
Variant type: single nucleotide variant.
Coding change: c.8955T>C on transcript NM_000059.4 (MANE Select); coding-DNA position 8955, T replaced by C.
Protein change: p.Val2985=; no amino-acid change (valine 2985 retained).
Molecular consequence: synonymous variant.
Genome position (GRCh38, 1-based): chr13:32,379,751, T>C. VCF-style: chr13-32379751-T-C. GRCh37 (hg19) VCF-style: chr13-32953888-T-C.
Identifiers: ClinVar variation 928574 (VCV000928574.2), dbSNP rs2072907140, ClinGen allele CA483439805.
Genomic context (GRCh38, chr13:32,379,751, plus strand): 5'-CAAACATTTAAATGATAATCACTTCTTCCATTGCATCTTTCTCATCTTTCTCCAAACAGT[T>C]ATACTGAGTATTTGGCGTCCATCATCAGATTTATATTCTCTGTTAACAGAAGGAAAGAGA-3'
Protein context (NP_000050.3, residues 2975-2995): VSYSKKEKDS[Val2985=]ILSIWRPSSD

ClinVar aggregate classification (germline): Conflicting classifications of pathogenicity. Review status: criteria provided, conflicting classifications (1 of 4 stars). 2 submissions from 2 submitters: Uncertain significance (1); Likely benign (1). Last evaluated 2025-06-24.

Conditions:
Hereditary cancer-predisposing syndrome. Also called: Neoplastic Syndromes, Hereditary; Hereditary Cancer Syndrome; Tumor predisposition; Hereditary neoplastic syndrome. Identifiers: Orphanet 140162, MedGen C0027672, MeSH D009386, MONDO:0015356.

Submissions (2):

Ambry Genetics
Classification: Likely benign for Hereditary cancer-predisposing syndrome. Last evaluated: 2025-06-24. Review status: criteria provided, single submitter. Criteria: Ambry Variant Classification Scheme 2023. Collection method: clinical testing. Allele origin: germline.

Women's Health and Genetics/Laboratory Corporation of America, LabCorp
Classification: Uncertain significance. Last evaluated: 2019-11-01. Review status: criteria provided, single submitter. Criteria: LabCorp Variant Classification Summary - May 2015. Collection method: clinical testing. Allele origin: germline.
Comment: Variant summary: BRCA2 c.8955T>C (p.Val2985Val) alters a non-conserved nucleotide located close to a canonical splice site and therefore could affect mRNA splicing, leading to a significantly altered protein sequence. 4/5 computational tools predict no significant impact on normal splicing. However, these predictions have yet to be confirmed by functional studies. The variant was absent in 250792 control chromosomes (gnomAD). The available data on variant occurrences in the general population are insufficient to allow any conclusion about variant significance. To our knowledge, no occurrence of c.8955T>C in individuals affected with Hereditary Breast and Ovarian Cancer and no experimental evidence demonstrating its impact on protein function have been reported. No clinical diagnostic laboratories have submitted clinical-significance assessments for this variant to ClinVar after 2014. Based on the evidence outlined above, the variant was classified as VUS-possibly benign.